The following is an entry in ClinVar:

NM_005271.5(GLUD1):c.745A>G (p.Ile249Val)

Gene: GLUD1 (glutamate dehydrogenase 1; minus strand). Cytogenetic location: 10q23.2.
Variant type: single nucleotide variant.
Coding change: c.745A>G on transcript NM_005271.5 (MANE Select); coding-DNA position 745, A replaced by G.
Protein change: p.Ile249Val; replaces isoleucine 249 with valine.
Molecular consequence: missense variant.
Genome position (GRCh38, 1-based): chr10:87,062,832, T>C on the plus strand (A>G on the coding strand, the complement: GLUD1 is on the minus strand). VCF-style: chr10-87062832-T-C. GRCh37 (hg19) VCF-style: chr10-88822589-T-C.
Other names: c.346A>G, p.Ile116Val (NM_001318900.1); c.244A>G, p.Ile82Val (NM_001318901.1, NM_001318902.1, NM_001318904.2 and 2 more transcripts); short protein forms I82V, I116V, I249V.
Identifiers: ClinVar variation 1759005 (VCV001759005.2), dbSNP rs1487570524, ClinGen allele CA377469463.

ClinVar aggregate classification (germline): Uncertain significance (1 of 4 stars; one submission).

Conditions:
Inborn genetic diseases. Identifiers: MedGen C0950123, MeSH D030342.

Allele frequency attached by ClinVar (database versions not stated): gnomAD exomes below 0.00001; gnomAD 0.00001; TOPMed 0.00002.
gnomAD v4.1: 7 of 1,613,770 alleles (0.00043%); highest among the groups gnomAD compares: Non-Finnish European, 0.00059%; no homozygotes.

Submission:

Ambry Genetics
Classification: Uncertain significance for Inborn genetic diseases. Last evaluated: 2021-07-22. Review status: criteria provided, single submitter. Criteria: Ambry Variant Classification Scheme 2023. Collection method: clinical testing. Allele origin: germline.
Comment: The p.I249V variant (also known as c.745A>G), located in coding exon 6 of the GLUD1 gene, results from an A to G substitution at nucleotide position 745. The isoleucine at codon 249 is replaced by valine, an amino acid with highly similar properties. This amino acid position is conserved. In addition, the in silico prediction for this alteration is inconclusive. Since supporting evidence is limited at this time, the clinical significance of this alteration remains unclear.